The following is an entry in ClinVar:

NM_002234.4(KCNA5):c.70G>T (p.Ala24Ser)

Gene: KCNA5 (potassium voltage-gated channel subfamily A member 5; plus strand). Cytogenetic location: 12p13.32.
Variant type: single nucleotide variant.
Coding change: c.70G>T on transcript NM_002234.4 (MANE Select); coding-DNA position 70, G replaced by T.
Protein change: p.Ala24Ser; replaces alanine 24 with serine.
Molecular consequence: missense variant.
Genome position (GRCh38, 1-based): chr12:5,044,217, G>T. VCF-style: chr12-5044217-G-T. GRCh37 (hg19) VCF-style: chr12-5153383-G-T.
Other names: short protein forms A24S.
Identifiers: ClinVar variation 957605 (VCV000957605.9), dbSNP rs1862741867, ClinGen allele CA383461836.

ClinVar aggregate classification (germline): Uncertain significance (1 of 4 stars; one submission).

Conditions:
Atrial fibrillation, familial, 7 (ATFB7). Identifiers: MedGen C2677106, MONDO:0012828, OMIM 612240.

Allele frequency attached by ClinVar (database versions not stated): gnomAD exomes below 0.00001.

Submission:

Labcorp Genetics (formerly Invitae), Labcorp
Classification: Uncertain significance for Atrial fibrillation, familial, 7. Last evaluated: 2025-05-19. Review status: criteria provided, single submitter. Criteria: Invitae Variant Classification Sherloc (09022015). Collection method: clinical testing. Allele origin: germline.
Comment: This sequence change replaces alanine, which is neutral and non-polar, with serine, which is neutral and polar, at codon 24 of the KCNA5 protein (p.Ala24Ser). This variant is not present in population databases (gnomAD no frequency). This variant has not been reported in the literature in individuals affected with KCNA5-related conditions. ClinVar contains an entry for this variant (Variation ID: 957605). An algorithm developed to predict the effect of missense changes on protein structure and function (PolyPhen-2) suggests that this variant is likely to be tolerated. In summary, the available evidence is currently insufficient to determine the role of this variant in disease. Therefore, it has been classified as a Variant of Uncertain Significance.